The following is an entry in ClinVar:

ClinVar aggregate classification (germline): Pathogenic. Review status: criteria provided, multiple submitters, no conflicts (2 of 4 stars). 7 submissions from 7 submitters: Pathogenic (7). Last evaluated 2025-11-06.

Conditions:
Hereditary spastic paraplegia. Also called: Familial spastic paraparesis. Identifiers: Orphanet 685, MedGen C0037773, MONDO:0019064. Disease mechanism: loss of function.
Amyotrophic lateral sclerosis type 5 (ALS5). Also called: AMYOTROPHIC LATERAL SCLEROSIS 5, JUVENILE. Identifiers: Orphanet 300605, MedGen C1865864, MONDO:0011196, OMIM 602099.
Hereditary spastic paraplegia 11. Also called: SPASTIC PARAPLEGIA, AUTOSOMAL RECESSIVE, COMPLICATED, WITH THIN CORPUS CALLOSUM; SPASTIC PARAPLEGIA, AUTOSOMAL RECESSIVE, WITH MENTAL IMPAIRMENT AND THIN CORPUS CALLOSUM; Nakamura Osame syndrome; Autosomal recessive hereditary spastic paraplegia, mental impairment, and thin corpus callosum; Spastic paraplegia, mental retardation and thin corpus callosum; Spastic Paraplegia 11. Identifiers: Orphanet 2822, MedGen C1858479, MONDO:0011445, OMIM 604360.
Charcot-Marie-Tooth disease axonal type 2X. Also called: CHARCOT-MARIE-TOOTH DISEASE, AXONAL, AUTOSOMAL RECESSIVE, TYPE 2X; CHARCOT-MARIE-TOOTH NEUROPATHY, TYPE 2X. Identifiers: Orphanet 466775, MedGen C5569024, MONDO:0014726, OMIM 616668.

Submissions (7):

Labcorp Genetics (formerly Invitae), Labcorp
Classification: Pathogenic for Hereditary spastic paraplegia 11. Last evaluated: 2025-11-06. Review status: criteria provided, single submitter. Criteria: Invitae Variant Classification Sherloc (09022015). Collection method: clinical testing. Allele origin: germline.
Comment: This sequence change creates a premature translational stop signal (p.Tyr1238Leufs*27) in the SPG11 gene. It is expected to result in an absent or disrupted protein product. Loss-of-function variants in SPG11 are known to be pathogenic (PMID: 19105190, 20110243, 22154821, 26556829). This variant is present in population databases (rs750663981, gnomAD 0.005%). This premature translational stop signal has been observed in individual(s) with hereditary spastic paraplegia (PMID: 27217339). ClinVar contains an entry for this variant (Variation ID: 466523). For these reasons, this variant has been classified as Pathogenic.

Fulgent Genetics
Classification: Pathogenic for Amyotrophic lateral sclerosis type 5; Hereditary spastic paraplegia 11; Charcot-Marie-Tooth disease axonal type 2X. Last evaluated: 2024-01-10. Review status: criteria provided, single submitter. Criteria: ACMG Guidelines, 2015. Collection method: clinical testing. Allele origin: germline.

GeneDx
Classification: Pathogenic. Last evaluated: 2023-06-26. Review status: criteria provided, single submitter. Criteria: GeneDx Variant Classification Process June 2021. Collection method: clinical testing. Allele origin: germline. Affected: yes.
Comment: Frameshift variant predicted to result in protein truncation or nonsense mediated decay in a gene for which loss-of-function is a known mechanism of disease; Not observed at significant frequency in large population cohorts (gnomAD); This variant is associated with the following publications: (PMID: 30609409, 27217339, 33222977)

Mayo Clinic Laboratories, Mayo Clinic
Classification: Pathogenic. Last evaluated: 2022-02-11. Review status: criteria provided, single submitter. Criteria: ACMG Guidelines, 2015. Collection method: clinical testing. Allele origin: germline. Observed: 2 variant alleles.
Comment: PM2, PM3_supporting, PVS1

Genome Diagnostics Laboratory, The Hospital for Sick Children
Classification: Pathogenic for Hereditary spastic paraplegia. Last evaluated: 2021-03-30. Review status: criteria provided, single submitter. Criteria: ACMG Guidelines, 2015. Collection method: clinical testing. Allele origin: germline. Affected: yes.

Laboratory for Molecular Medicine, Mass General Brigham Personalized Medicine
Classification: Pathogenic for Hereditary spastic paraplegia. Last evaluated: 2016-06-16. Review status: criteria provided, single submitter. Criteria: LMM Criteria. Collection method: clinical testing. Allele origin: germline. Inheritance: Autosomal recessive inheritance. Observed: 1 variant allele.
Comment: The p.Tyr1238LeufsX27 variant in SPG11 has not been previously reported in the l iterature but it has been identified in 2/66,398 of chromosomes by the Exome Agg regation Consortium (ExAC). Although this varian t has been seen in the general population, its frequency is low enough to be con sistent with a recessive carrier frequency. This variant is predicted to cause a frameshift, which alters the protein?s amino acid sequence beginning at positio n 1238 and leads to a premature termination codon 27 amino acids downstream. Thi s alteration is then predicted to lead to a truncated or absent protein. Biallel ic loss of function of the SPG11 gene is an established disease mechanism for sp astic paraplegia. In summary, this variant meets our criteria to be classified a s pathogenic for spastic paraplegia in an autosomal recessive manner based upon its predicted functional impact.

Genome-Nilou Lab
Classification: Pathogenic for Hereditary spastic paraplegia 11. Review status: criteria provided, single submitter. Criteria: ACMG Guidelines, 2015. Collection method: clinical testing. Allele origin: germline.

Literature cited by the submitters: PubMed 19105190 (cited by Labcorp Genetics (formerly Invitae), Labcorp); PubMed 20110243 (cited by Labcorp Genetics (formerly Invitae), Labcorp); PubMed 22154821 (cited by Labcorp Genetics (formerly Invitae), Labcorp); PubMed 26556829 (cited by Labcorp Genetics (formerly Invitae), Labcorp); PubMed 27217339 (cited by Labcorp Genetics (formerly Invitae), Labcorp).

NM_025137.4(SPG11):c.3711dup (p.Tyr1238fs)

Gene: SPG11 (SPG11 vesicle trafficking associated, spatacsin; minus strand). Cytogenetic location: 15q21.1.
Variant type: Duplication.
Coding change: c.3711dup on transcript NM_025137.4 (MANE Select); coding-DNA position 3711, one base duplicated (C; older notation c.3711dupC).
Protein change: p.Tyr1238fs; shifts the reading frame from tyrosine 1238.
Molecular consequence: frameshift variant.
Genome position (GRCh38, 1-based): chr15:44,598,812, G duplicated on the plus strand (C on the coding strand, the reverse complement: SPG11 is on the minus strand); the first of 2 consecutive G bases (chr15:44,598,812-44,598,813); duplicating either gives the same sequence. VCF-style (leftmost placement, unchanged base first): chr15-44598811-A-AG. GRCh37 (hg19) VCF-style: chr15-44891009-A-AG.
Other names: p.Tyr1238LeufsX27; p.Tyr1238Leufs*27; c.3711dup, p.Tyr1238fs (NM_001160227.2); c.3711dupC (NM_025137.3); short protein forms Y1238fs.
Identifiers: ClinVar variation 466523 (VCV000466523.24), dbSNP rs750663981, ClinGen allele CA7534860.
Genomic context (GRCh38, chr15:44,598,811, plus strand): 5'-AGAAACAAACACATGCAGCTCCTATTGAAGGTATGTGGAAGGAGGAGAGCCCTATAACAT[A>AG]GGCTTCATTGCCTACTTGCTGGATCCTGAAAAAGAAAGGAATCAAAATCACATCAGCACA-3'